The following is an entry in ClinVar:

ClinVar aggregate classification (germline): Pathogenic/Likely pathogenic. Review status: criteria provided, multiple submitters, no conflicts (2 of 4 stars). 13 submissions from 13 submitters: Pathogenic (11); Likely pathogenic (1). 1 of the submissions does not count toward it. Last evaluated 2025-12-14.

Conditions:
Endometrial carcinoma. Also called: Endometrial carcinoma, somatic. Identifiers: MedGen C0476089, MONDO:0002447, OMIM 608089, HP:0012114.
Hereditary cancer-predisposing syndrome. Also called: Neoplastic Syndromes, Hereditary; Hereditary Cancer Syndrome; Tumor predisposition; Hereditary neoplastic syndrome. Identifiers: Orphanet 140162, MedGen C0027672, MeSH D009386, MONDO:0015356.
Lynch syndrome. Identifiers: Orphanet 144, MedGen C4552100, MONDO:0005835. Disease mechanism: loss of function.
Lynch syndrome 5 (LYNCH5). Also called: Colorectal cancer, hereditary nonpolyposis, type 5; Hereditary non-polyposis colorectal cancer, type 5. Identifiers: Orphanet 144, MedGen C1833477, MONDO:0013710, OMIM 614350. Disease mechanism: loss of function.
Hereditary nonpolyposis colorectal neoplasms. Identifiers: MedGen C0009405, MeSH D003123.

Submissions (13):

Labcorp Genetics (formerly Invitae), Labcorp
Classification: Pathogenic for Hereditary nonpolyposis colorectal neoplasms. Last evaluated: 2025-12-14. Review status: criteria provided, single submitter. Criteria: Invitae Variant Classification Sherloc (09022015). Collection method: clinical testing. Allele origin: germline.
Comment: This sequence change creates a premature translational stop signal (p.Phe1037Leufs*2) in the MSH6 gene. It is expected to result in an absent or disrupted protein product. Loss-of-function variants in MSH6 are known to be pathogenic (PMID: 18269114, 24362816). This variant is not present in population databases (gnomAD no frequency). This premature translational stop signal has been observed in individual(s) with Lynch syndrome (PMID: 27064304). Invitae Evidence Modeling of clinical and family history, age, sex, and reported ancestry of multiple individuals with this MSH6 variant has been performed. This variant is expected to be pathogenic with a positive predictive value of at least 99%. This is a validated machine learning model that incorporates the clinical features of 1,627,235 individuals referred to our laboratory for MSH6 testing. ClinVar contains an entry for this variant (Variation ID: 525755). For these reasons, this variant has been classified as Pathogenic.

Molecular Pathology, Peter Maccallum Cancer Centre
Classification: Pathogenic for Lynch syndrome 5. Last evaluated: 2024-06-11. Review status: criteria provided, single submitter. Criteria: ACMG Guidelines, 2015. Collection method: clinical testing. Allele origin: germline. Inheritance: Autosomal dominant inheritance.

CeGaT Center for Human Genetics Tuebingen
Classification: Pathogenic. Last evaluated: 2024-05-01. Review status: criteria provided, single submitter. Criteria: CeGaT Center For Human Genetics Tuebingen Variant Classification Criteria Version 2. Collection method: clinical testing. Allele origin: germline. Affected: yes. Observed: 2 variant alleles.
Comment: MSH6: PVS1, PM2

Baylor Genetics
Classification: Pathogenic for Endometrial carcinoma. Last evaluated: 2024-01-01. Review status: criteria provided, single submitter. Criteria: ACMG Guidelines, 2015. Collection method: clinical testing. Allele origin: unknown.

Revvity Omics, Revvity
Classification: Pathogenic. Last evaluated: 2023-11-20. Review status: criteria provided, single submitter. Criteria: ACMG Guidelines, 2015. Collection method: clinical testing. Allele origin: germline.

Color Diagnostics, LLC DBA Color Health
Classification: Pathogenic for Hereditary cancer-predisposing syndrome. Last evaluated: 2023-09-18. Review status: criteria provided, single submitter. Criteria: ACMG Guidelines, 2015. Collection method: clinical testing. Allele origin: germline.
Comment: This variant deletes 2 nucleotides in exon 4 of the MSH6 gene, creating a frameshift and premature translation stop signal. This variant is expected to result in an absent or non-functional protein product. This variant has been reported in individuals affected with Lynch syndrome and colorectal cancer (PMID: 27064304, 28944238). This variant has not been identified in the general population by the Genome Aggregation Database (gnomAD). Loss of MSH6 function is a known mechanism of disease. Based on the available evidence, this variant is classified as Pathogenic.

Myriad Genetics, Inc.
Classification: Pathogenic for Lynch syndrome 5. Last evaluated: 2023-08-22. Review status: criteria provided, single submitter. Criteria: Myriad Autosomal Dominant, Autosomal Recessive and X-Linked Classification Criteria (2023). Collection method: clinical testing. Allele origin: unknown.
Comment: This variant is considered pathogenic. This variant creates a frameshift predicted to result in premature protein truncation.

Quest Diagnostics Nichols Institute San Juan Capistrano
Classification: Pathogenic. Last evaluated: 2023-07-27. Review status: criteria provided, single submitter. Criteria: Quest Diagnostics criteria. Collection method: clinical testing. Allele origin: unknown.
Comment: The MSH6 c.3108_3109del (p.Phe1037Leufs*2) variant alters the translational reading frame of the MSH6 mRNA and causes the premature termination of MSH6 protein synthesis. In the published literature, this variant has been reported in individuals affected with Lynch syndrome (PMIDs: 28944238 (2017), 27064304 (2016)). This variant has not been reported in large, multi-ethnic general populations (Genome Aggregation Database). Based on the available information, this variant is classified as pathogenic.

Ambry Genetics
Classification: Pathogenic for Hereditary cancer-predisposing syndrome. Last evaluated: 2022-10-26. Review status: criteria provided, single submitter. Criteria: Ambry Variant Classification Scheme 2023. Collection method: clinical testing. Allele origin: germline.
Comment: The c.3108_3109delGT pathogenic mutation, located in coding exon 4 of the MSH6 gene, results from a deletion of two nucleotides at nucleotide positions 3108 to 3109, causing a translational frameshift with a predicted alternate stop codon (p.F1037Lfs*2). This mutation was previously identified in an Australian cohort of HNPCC/Lynch syndrome patients (Sjursen W et al. Mol Genet Genomic Med. 2016 Mar;4:223-31) and was also reported in 1 of 1231 colorectal cancer cases in another large study (DeRycke MS et al. Mol Genet Genomic Med, 2017 Sep;5:553-569). This variant is considered to be rare based on population cohorts in the Genome Aggregation Database (gnomAD). In addition to the clinical data presented in the literature, this alteration is expected to result in loss of function by premature protein truncation or nonsense-mediated mRNA decay. As such, this alteration is interpreted as a disease-causing mutation.

Laboratory for Molecular Medicine, Mass General Brigham Personalized Medicine
Classification: Pathogenic for Lynch syndrome. Last evaluated: 2019-10-14. Review status: criteria provided, single submitter. Criteria: ACMG Guidelines, 2015. Collection method: clinical testing. Allele origin: germline.
Comment: The p.Phe1037LeufsX2 variant in MSH6 has been reported in 2 individuals with colorectal cancer and 1 individual with pancreatic cancer (Sjursen 2016, DeRycke 217, Slavin 2018). It was absent from large population studies. This variant has been reported in ClinVar (Variation ID 525755), classified as pathogenic by 1 clinical lab. This variant is predicted to cause a frameshift, which alters the protein’s amino acid sequence beginning at position 1037 and leads to a premature termination codon 2 amino acids downstream. This alteration is then predicted to lead to a truncated or absent protein. Loss of function of the MSH6 gene is an established disease mechanism in autosomal dominant Lynch syndrome. In summary, the p.Phe1037LeufsX2 variant meets criteria to be classified as pathogenic for Lynch syndrome. ACMG/AMP criteria applied: PVS1, PM2, PS4_supporting.

Genetics and Molecular Pathology, SA Pathology
Classification: Pathogenic for Lynch syndrome 5. Last evaluated: 2019-10-01. Review status: criteria provided, single submitter. Criteria: ACMG Guidelines, 2015. Collection method: clinical testing. Allele origin: germline. Inheritance: Autosomal dominant inheritance. Affected: yes.
Comment: The c.3108_3109del variant has been reported multiple times in the scientific literature in association with Lynch syndrome (Sjursen et al. 2016 PMID: 27064304, DeRyke et al. 2017 PMID: 28944238, Slavin et al. 2018 PMID: 28687971).

Women's Health and Genetics/Laboratory Corporation of America, LabCorp
Classification: Likely pathogenic for Lynch syndrome. Last evaluated: 2018-11-06. Review status: criteria provided, single submitter. Criteria: LabCorp Variant Classification Summary - May 2015. Collection method: clinical testing. Allele origin: germline.
Comment: Variant summary: MSH6 c.3108_3109delGT (p.Phe1037LeufsX2) results in a premature termination codon, predicted to cause a truncation of the encoded protein or absence of the protein due to nonsense mediated decay, which are commonly known mechanisms for disease. Truncations downstream of this position have been classified as pathogenic by our laboratory (e.g., p.Glu1052fsX13 and p.Arg1068X). The variant was absent in 244248 control chromosomes (gnomAD). The variant, c.3108_3109delGT, has been reported in the literature in individuals affected with Lynch Syndrome (Sjursen_2015, DeRycke_2017). These data indicate that the variant may be associated with disease. To our knowledge, no experimental evidence demonstrating an impact on protein function has been reported. Two clinical diagnostic laboratories have submitted clinical-significance assessments for this variant to ClinVar after 2014 without evidence for independent evaluation and both classified the variant as pathogenic/likely pathogenic. Based on the evidence outlined above, the variant was classified as likely pathogenic.

Mayo Clinic Laboratories, Mayo Clinic
Classification: Likely pathogenic. Last evaluated: 2018-02-12. Review status: no assertion criteria provided. Collection method: clinical testing. Allele origin: unknown. Not counted in ClinVar's aggregate classification.

Literature cited by the submitters: PubMed 18269114 (cited by Labcorp Genetics (formerly Invitae), Labcorp); PubMed 24362816 (cited by Labcorp Genetics (formerly Invitae), Labcorp); PubMed 27064304 (cited by 7 submitters); PubMed 28944238 (cited by 6 submitters); PubMed 28687971 (cited by Laboratory for Molecular Medicine, Mass General Brigham Personalized Medicine and Genetics and Molecular Pathology, SA Pathology).

NM_000179.3(MSH6):c.3108_3109del (p.Phe1037fs)

Gene: MSH6 (mutS homolog 6; plus strand). Cytogenetic location: 2p16.3.
Variant type: Deletion.
Coding change: c.3108_3109del on transcript NM_000179.3 (MANE Select); coding-DNA positions 3108 to 3109, 2 bases deleted (GT; older notation c.3108_3109delGT).
Protein change: p.Phe1037fs; shifts the reading frame from phenylalanine 1037.
Molecular consequence: frameshift variant.
Genome position (GRCh38, 1-based): chr2:47,801,091-47,801,092, GT deleted; deleting any 2 consecutive bases within chr2:47,801,090-47,801,092 gives the same sequence; the c. name uses the placement nearest the transcript's 3' end. VCF-style (leftmost placement, unchanged base first): chr2-47801089-CTG-C. GRCh37 (hg19) VCF-style: chr2-48028228-CTG-C.
Other names: c.3108_3109delGT (NM_000179.2); c.2718_2719del, p.Phe907fs (NM_001281492.2); c.2202_2203del, p.Phe735fs (NM_001281493.2, NM_001281494.2); short protein forms F735fs, F907fs.
Identifiers: ClinVar variation 525755 (VCV000525755.49), dbSNP rs1553414519, ClinGen allele CA658795735.